The following is an entry in ClinVar:

ClinVar aggregate classification (germline): Uncertain significance (1 of 4 stars; one submission).

Conditions:
Cardiovascular phenotype. Identifiers: MedGen CN230736.

Submission:

Ambry Genetics
Classification: Uncertain significance for Cardiovascular phenotype. Last evaluated: 2024-06-27. Review status: criteria provided, single submitter. Criteria: Ambry Variant Classification Scheme 2023. Collection method: clinical testing. Allele origin: germline.
Comment: The p.A201T variant (also known as c.601G>A), located in coding exon 4 of the FKBP14 gene, results from a G to A substitution at nucleotide position 601. The alanine at codon 201 is replaced by threonine, an amino acid with similar properties. This amino acid position is conserved. In addition, this alteration is predicted to be tolerated by in silico analysis. Based on the available evidence, the clinical significance of this variant remains unclear.

NM_017946.4(FKBP14):c.601G>A (p.Ala201Thr)

Genes: FKBP14 (FKBP prolyl isomerase 14; minus strand), FKBP14-AS1 (FKBP14 antisense RNA 1; plus strand). Cytogenetic location: 7p14.3.
Variant type: single nucleotide variant.
Coding change: c.601G>A on transcript NM_017946.4 (MANE Select); coding-DNA position 601, G replaced by A.
Protein change: p.Ala201Thr; replaces alanine 201 with threonine.
Molecular consequence: missense variant. On other transcripts: non-coding transcript variant (2).
Genome position (GRCh38, 1-based): chr7:30,014,770, C>T on the plus strand (G>A on the coding strand, the complement: FKBP14 is on the minus strand). VCF-style: chr7-30014770-C-T. GRCh37 (hg19) VCF-style: chr7-30054386-C-T.
Other names: short protein forms A201T.
Identifiers: ClinVar variation 3515472 (VCV003515472.1).